The following is an entry in ClinVar:

ClinVar aggregate classification (germline): Uncertain significance (1 of 4 stars; one submission).

gnomAD v4.1: 3 of 1,614,130 alleles (0.00019%); highest among the groups gnomAD compares: Admixed American, 0.0033%; no homozygotes.

Submission:

Labcorp Genetics (formerly Invitae), Labcorp
Classification: Uncertain significance. Last evaluated: 2022-08-16. Review status: criteria provided, single submitter. Criteria: Invitae Variant Classification Sherloc (09022015). Collection method: clinical testing. Allele origin: germline.
Comment: This sequence change replaces arginine with leucine at codon 848 of the ADAMTS17 protein (p.Arg848Leu). The arginine residue is highly conserved and there is a moderate physicochemical difference between arginine and leucine. This variant is present in population databases (no rsID available, gnomAD 0.003%). This variant has not been reported in the literature in individuals affected with ADAMTS17-related conditions. ClinVar contains an entry for this variant (Variation ID: 1402587). Algorithms developed to predict the effect of missense changes on protein structure and function are either unavailable or do not agree on the potential impact of this missense change (SIFT: "Not Available"; PolyPhen-2: "Probably Damaging"; Align-GVGD: "Not Available"). In summary, the available evidence is currently insufficient to determine the role of this variant in disease. Therefore, it has been classified as a Variant of Uncertain Significance.

NM_139057.4(ADAMTS17):c.2543G>T (p.Arg848Leu)

Gene: ADAMTS17 (ADAM metallopeptidase with thrombospondin type 1 motif 17; minus strand). Cytogenetic location: 15q26.3.
Variant type: single nucleotide variant.
Coding change: c.2543G>T on transcript NM_139057.4 (MANE Select); coding-DNA position 2543, G replaced by T.
Protein change: p.Arg848Leu; replaces arginine 848 with leucine.
Molecular consequence: missense variant.
Genome position (GRCh38, 1-based): chr15:100,048,905, C>A on the plus strand (G>T on the coding strand, the complement: ADAMTS17 is on the minus strand). VCF-style: chr15-100048905-C-A. GRCh37 (hg19) VCF-style: chr15-100589110-C-A.
Other names: short protein forms R848L.
Identifiers: ClinVar variation 1402587 (VCV001402587.3), dbSNP rs765114645, ClinGen allele CA393692409.